The following is an entry in ClinVar:

NM_198098.4(AQP1):c.320T>G (p.Val107Gly)

Gene: AQP1 (aquaporin 1 (Colton blood group); plus strand). Cytogenetic location: 7p14.3.
Variant type: single nucleotide variant.
Coding change: c.320T>G on transcript NM_198098.4 (MANE Select); coding-DNA position 320, T replaced by G.
Protein change: p.Val107Gly; replaces valine 107 with glycine.
Molecular consequence: missense variant.
Genome position (GRCh38, 1-based): chr7:30,912,229, T>G. VCF-style: chr7-30912229-T-G. GRCh37 (hg19) VCF-style: chr7-30951844-T-G.
Other names: c.320T>G, p.Val107Gly (NM_001329872.2); c.320T>G (NM_198098.3); short protein forms V107G.
Identifiers: ClinVar variation 1589116 (VCV001589116.10), dbSNP rs147400857, ClinGen allele CA4208086.

ClinVar aggregate classification (germline): Benign/Likely benign. Review status: criteria provided, multiple submitters, no conflicts (2 of 4 stars). 3 submissions from 3 submitters: Benign (1); Likely benign (2). Last evaluated 2026-01-14.

Conditions:
AQP1-related disorder. Also called: AQP1-related condition.

Allele frequency attached by ClinVar (database versions not stated): 1000 Genomes Project 0.00100; ESP Exome Variant Server 0.00138; 1000 Genomes Project 30x 0.00141; gnomAD exomes 0.00239 and 0.00342; TOPMed 0.00241; gnomAD 0.00246 and 0.00270; ExAC 0.00256.
gnomAD v4.1: 5,337 of 1,609,408 alleles (0.33%); highest among the groups gnomAD compares: Non-Finnish European, 0.4%; 18 homozygotes.

Submissions (3):

Labcorp Genetics (formerly Invitae), Labcorp
Classification: Benign. Last evaluated: 2026-01-14. Review status: criteria provided, single submitter. Criteria: Invitae Variant Classification Sherloc (09022015). Collection method: clinical testing. Allele origin: germline.

PreventionGenetics, part of Exact Sciences
Classification: Likely benign for AQP1-related condition. Last evaluated: 2025-12-06. Review status: criteria provided, single submitter. Criteria: ACMG Guidelines, 2015. Collection method: clinical testing. Allele origin: germline.
Comment: This variant is classified as likely benign based on ACMG/AMP sequence variant interpretation guidelines (Richards et al. 2015 PMID: 25741868, with internal and published modifications).

Blueprint Genetics
Classification: Likely benign. Last evaluated: 2024-11-25. Review status: criteria provided, single submitter. Criteria: ACMG Guidelines, 2015. Collection method: clinical testing. Allele origin: germline.